The following is an entry in ClinVar:

ClinVar aggregate classification (germline): Uncertain significance. Review status: criteria provided, multiple submitters, no conflicts (2 of 4 stars). 2 submissions from 2 submitters: Uncertain significance (2). Last evaluated 2024-12-19.

Conditions:
Neuroblastoma, susceptibility to, 3. Also called: ALK-Related Neuroblastic Tumor Susceptibility. Identifiers: Orphanet 635, MedGen C2751681, MONDO:0013083, OMIM 613014.
Hereditary cancer-predisposing syndrome. Also called: Neoplastic Syndromes, Hereditary; Tumor predisposition; Hereditary Cancer Syndrome; Hereditary neoplastic syndrome. Identifiers: Orphanet 140162, MedGen C0027672, MeSH D009386, MONDO:0015356.

gnomAD v4.1: 1 of 1,614,186 alleles (0.000062%); highest among the groups gnomAD compares: Non-Finnish European, 0.000085%; no homozygotes.

Submissions (2):

Ambry Genetics
Classification: Uncertain significance for Hereditary cancer-predisposing syndrome. Last evaluated: 2024-12-19. Review status: criteria provided, single submitter. Criteria: Ambry Variant Classification Scheme 2023. Collection method: clinical testing. Allele origin: germline.
Comment: The p.R1264K variant (also known as c.3791G>A), located in coding exon 25 of the ALK gene, results from a G to A substitution at nucleotide position 3791. The arginine at codon 1264 is replaced by lysine, an amino acid with highly similar properties. This amino acid position is highly conserved in available vertebrate species. In addition, the in silico prediction for this alteration is inconclusive. Based on the available evidence, the clinical significance of this variant remains unclear.

Labcorp Genetics (formerly Invitae), Labcorp
Classification: Uncertain significance for Neuroblastoma, susceptibility to, 3. Last evaluated: 2024-11-06. Review status: criteria provided, single submitter. Criteria: Invitae Variant Classification Sherloc (09022015). Collection method: clinical testing. Allele origin: germline.
Comment: This sequence change replaces arginine, which is basic and polar, with lysine, which is basic and polar, at codon 1264 of the ALK protein (p.Arg1264Lys). This variant is not present in population databases (gnomAD no frequency). This variant has not been reported in the literature in individuals affected with ALK-related conditions. ClinVar contains an entry for this variant (Variation ID: 1734957). An algorithm developed to predict the effect of missense changes on protein structure and function (PolyPhen-2) suggests that this variant is likely to be disruptive. In summary, the available evidence is currently insufficient to determine the role of this variant in disease. Therefore, it has been classified as a Variant of Uncertain Significance.

NM_004304.5(ALK):c.3791G>A (p.Arg1264Lys)

Gene: ALK (ALK receptor tyrosine kinase; minus strand). Cytogenetic location: 2p23.2.
Variant type: single nucleotide variant.
Coding change: c.3791G>A on transcript NM_004304.5 (MANE Select); coding-DNA position 3791, G replaced by A.
Protein change: p.Arg1264Lys; replaces arginine 1264 with lysine.
Molecular consequence: missense variant.
Genome position (GRCh38, 1-based): chr2:29,209,831, C>T on the plus strand (G>A on the coding strand, the complement: ALK is on the minus strand). VCF-style: chr2-29209831-C-T. GRCh37 (hg19) VCF-style: chr2-29432697-C-T.
Other names: c.587G>A, p.Arg196Lys (NM_001353765.2); short protein forms R196K, R1264K.
Identifiers: ClinVar variation 1734957 (VCV001734957.6), dbSNP rs1010341473, ClinGen allele CA44646426.